The following is an entry in ClinVar:

NM_005148.4(UNC119):c.663C>T (p.Phe221=)

Gene: UNC119 (unc-119 lipid binding chaperone; minus strand). Cytogenetic location: 17q11.2.
Variant type: single nucleotide variant.
Coding change: c.663C>T on transcript NM_005148.4 (MANE Select); coding-DNA position 663, C replaced by T.
Protein change: p.Phe221=; no amino-acid change (phenylalanine 221 retained).
Molecular consequence: synonymous variant. On other transcripts: 3 prime UTR variant (1).
Genome position (GRCh38, 1-based): chr17:28,547,357, G>A on the plus strand (C>T on the coding strand, the complement: UNC119 is on the minus strand). VCF-style: chr17-28547357-G-A. GRCh37 (hg19) VCF-style: chr17-26874375-G-A.
Other names: c.378C>T, p.Phe126= (NM_001330166.2); c.*267C>T (NM_054035.2).
Identifiers: ClinVar variation 322460 (VCV000322460.16), dbSNP rs139354163, ClinGen allele CA8459698.

ClinVar aggregate classification (germline): Benign/Likely benign. Review status: criteria provided, multiple submitters, no conflicts (2 of 4 stars). 3 submissions from 3 submitters: Benign (2); Likely benign (1). Last evaluated 2026-01-26.

Conditions:
Cone-rod dystrophy. Also called: Cone/cone-rod dystrophy; Cone-rod degeneration. Identifiers: Orphanet 1872, MedGen C4085590, MONDO:0015993, HP:0000548.

Allele frequency attached by ClinVar (database versions not stated): gnomAD exomes 0.00035 and 0.00128; gnomAD 0.00038 and 0.00052; TOPMed 0.00115; ExAC 0.00120; 1000 Genomes Project 30x 0.00172; 1000 Genomes Project 0.00200.
gnomAD v4.1: 593 of 1,614,204 alleles (0.037%); highest among the groups gnomAD compares: East Asian, 1.2%; 3 homozygotes.

Submissions (3):

Labcorp Genetics (formerly Invitae), Labcorp
Classification: Benign. Last evaluated: 2026-01-26. Review status: criteria provided, single submitter. Criteria: Invitae Variant Classification Sherloc (09022015). Collection method: clinical testing. Allele origin: germline.

Blueprint Genetics
Classification: Likely benign. Last evaluated: 2024-10-15. Review status: criteria provided, single submitter. Criteria: ACMG Guidelines, 2015. Collection method: clinical testing. Allele origin: germline.

Illumina Laboratory Services, Illumina
Classification: Benign for Cone-rod dystrophy. Last evaluated: 2018-01-13. Review status: criteria provided, single submitter. Criteria: ICSL Variant Classification Criteria 13 December 2019. Collection method: clinical testing. Allele origin: germline.
Comment: This variant was observed in the ICSL laboratory as part of a predisposition screen in an ostensibly healthy population. It had not been previously curated by ICSL or reported in the Human Gene Mutation Database (HGMD: prior to June 1st, 2018), and was therefore a candidate for classification through an automated scoring system. Utilizing variant allele frequency, disease prevalence and penetrance estimates, and inheritance mode, an automated score was calculated to assess if this variant is too frequent to cause the disease. Based on the score and internal cut-off values, a variant classified as benign is not then subjected to further curation. The score for this variant resulted in a classification of benign for this disease.